The following is an entry in ClinVar:

NM_000540.3(RYR1):c.8201A>G (p.Asn2734Ser)

Gene: RYR1 (ryanodine receptor 1; plus strand). Cytogenetic location: 19q13.2.
Variant type: single nucleotide variant.
Coding change: c.8201A>G on transcript NM_000540.3 (MANE Select); coding-DNA position 8201, A replaced by G.
Protein change: p.Asn2734Ser; replaces asparagine 2734 with serine.
Molecular consequence: missense variant.
Genome position (GRCh38, 1-based): chr19:38,504,881, A>G. VCF-style: chr19-38504881-A-G. GRCh37 (hg19) VCF-style: chr19-38995521-A-G.
Other names: c.8201A>G, p.Asn2734Ser (NM_001042723.2); short protein forms N2734S.
Identifiers: ClinVar variation 2649804 (VCV002649804.24), dbSNP rs2514355081, ClinGen allele CA405676937.

ClinVar aggregate classification (germline): Uncertain significance (1 of 4 stars; one submission).

Allele frequency attached by ClinVar (database versions not stated): gnomAD exomes below 0.00001.
gnomAD v4.1: 2 of 1,614,178 alleles (0.00012%); highest among the groups gnomAD compares: Non-Finnish European, 0.00017%; no homozygotes.

Submission:

CeGaT Center for Human Genetics Tuebingen
Classification: Uncertain significance. Last evaluated: 2023-02-01. Review status: criteria provided, single submitter. Criteria: CeGaT Center For Human Genetics Tuebingen Variant Classification Criteria Version 2. Collection method: clinical testing. Allele origin: germline. Affected: yes. Observed: 1 variant allele.
Comment: RYR1: PM2